The following is an entry in ClinVar:

ClinVar aggregate classification (germline): Pathogenic (1 of 4 stars; one submission).

Conditions:
Propionic acidemia (PROP). Also called: GLYCINEMIA, KETOTIC; HYPERGLYCINEMIA WITH KETOACIDOSIS AND LEUKOPENIA; KETOTIC HYPERGLYCINEMIA. Identifiers: Orphanet 35, MedGen C0268579, MONDO:0011628, OMIM 606054, HP:0003571.

gnomAD v4.1: 2 of 1,610,948 alleles (0.00012%); highest among the groups gnomAD compares: Non-Finnish European, 0.000085%; no homozygotes.

Submission:

Labcorp Genetics (formerly Invitae), Labcorp
Classification: Pathogenic for Propionic acidemia. Last evaluated: 2024-10-19. Review status: criteria provided, single submitter. Criteria: Invitae Variant Classification Sherloc (09022015). Collection method: clinical testing. Allele origin: germline.
Comment: This sequence change creates a premature translational stop signal (p.Gly438*) in the PCCA gene. It is expected to result in an absent or disrupted protein product. Loss-of-function variants in PCCA are known to be pathogenic (PMID: 15464417). This variant is not present in population databases (gnomAD no frequency). This variant has not been reported in the literature in individuals affected with PCCA-related conditions. ClinVar contains an entry for this variant (Variation ID: 1073696). For these reasons, this variant has been classified as Pathogenic.

Literature cited by the submitters: PubMed 15464417.

NM_000282.4(PCCA):c.1312G>T (p.Gly438Ter)

Gene: PCCA (propionyl-CoA carboxylase subunit alpha; plus strand). Cytogenetic location: 13q32.3.
Variant type: single nucleotide variant.
Coding change: c.1312G>T on transcript NM_000282.4 (MANE Select); coding-DNA position 1312, G replaced by T.
Protein change: p.Gly438Ter; replaces glycine 438 with a stop codon.
Molecular consequence: nonsense. On other transcripts: non-coding transcript variant (5).
Genome position (GRCh38, 1-based): chr13:100,307,219, G>T. VCF-style: chr13-100307219-G-T. GRCh37 (hg19) VCF-style: chr13-100959473-G-T.
Other names: c.1234G>T, p.Gly412Ter (NM_001127692.3, NM_001352607.2); c.1312G>T, p.Gly438Ter (NM_001178004.2, NM_001352605.2, NM_001352609.2); c.1168G>T, p.Gly390Ter (NM_001352606.2); c.1090G>T, p.Gly364Ter (NM_001352608.2); c.367G>T, p.Gly123Ter (NM_001352610.2, NM_001352611.2); c.223G>T, p.Gly75Ter (NM_001352612.2); short protein forms G123*, G364*, G390*, G412*, G438*, G75*.
Identifiers: ClinVar variation 1073696 (VCV001073696.7), dbSNP rs2152692650, ClinGen allele CA388695640.